The following is an entry in ClinVar:

ClinVar aggregate classification (germline): Pathogenic. Review status: criteria provided, multiple submitters, no conflicts (2 of 4 stars). 6 submissions from 6 submitters: Pathogenic (6). Last evaluated 2026-02-13.

Conditions:
PEPD-related disorder. Also called: PEPD-related condition.
Prolidase deficiency. Identifiers: Orphanet 742, MedGen C0268532, MONDO:0008221, OMIM 170100.

Allele frequency attached by ClinVar (database versions not stated): ExAC below 0.00001; gnomAD exomes 0.00002 and 0.00011; TOPMed 0.00004; gnomAD 0.00005; 1000 Genomes Project 30x 0.00016; 1000 Genomes Project 0.00020.
gnomAD v4.1: 150 of 1,550,402 alleles (0.0097%); highest among the groups gnomAD compares: Non-Finnish European, 0.012%; no homozygotes.

Submissions (6):

OLLIN Analises Genomicas, OLLIN
Classification: Pathogenic for Prolidase deficiency. Last evaluated: 2026-02-13. Review status: criteria provided, single submitter. Criteria: ACMG Guidelines 2015 PMID 25741868. Collection method: clinical testing. Allele origin: germline. Observed: 3 variant alleles.
Comment: PVS1, PM2_P, PM3

Labcorp Genetics (formerly Invitae), Labcorp
Classification: Pathogenic. Last evaluated: 2026-01-28. Review status: criteria provided, single submitter. Criteria: Invitae Variant Classification Sherloc (09022015). Collection method: clinical testing. Allele origin: germline.
Comment: This sequence change creates a premature translational stop signal (p.Trp326*) in the PEPD gene. It is expected to result in an absent or disrupted protein product. Loss-of-function variants in PEPD are known to be pathogenic (PMID: 8198124, 10721675, 12384772, 17142620). This variant is present in population databases (rs529315200, gnomAD 0.006%). This premature translational stop signal has been observed in individual(s) with clinical features of prolidase deficiency (PMID: 25460580). This variant is also known as p.Trp325*. ClinVar contains an entry for this variant (Variation ID: 620168). For these reasons, this variant has been classified as Pathogenic.

Blueprint Genetics
Classification: Pathogenic for PEPD-related disorders. Last evaluated: 2024-11-25. Review status: criteria provided, single submitter. Criteria: ACMG Guidelines, 2015. Collection method: clinical testing. Allele origin: germline. Affected: yes. Observed: 3 variant alleles.

GeneDx
Classification: Pathogenic. Last evaluated: 2023-03-24. Review status: criteria provided, single submitter. Criteria: GeneDx Variant Classification Process June 2021. Collection method: clinical testing. Allele origin: germline. Affected: yes.
Comment: Nonsense variant predicted to result in protein truncation or nonsense mediated decay in a gene for which loss of function is a known mechanism of disease; This variant is associated with the following publications: (PMID: 31589614, 33726816, 34794975, 35197125, 35106785, 25460580)

Mayo Clinic Laboratories, Mayo Clinic
Classification: Pathogenic. Last evaluated: 2022-05-10. Review status: criteria provided, single submitter. Criteria: ACMG Guidelines, 2015. Collection method: clinical testing. Allele origin: germline. Observed: 1 variant allele.
Comment: PP1, PP4, PM2, PM3_strong, PS4_moderate, PVS1

Mendelics
Classification: Pathogenic. Last evaluated: 2019-05-28. Review status: criteria provided, single submitter. Criteria: Mendelics Assertion Criteria 2017. Collection method: clinical testing. Allele origin: unknown.

Literature cited by the submitters: PubMed 8198124 (cited by Labcorp Genetics (formerly Invitae), Labcorp); PubMed 10721675 (cited by Labcorp Genetics (formerly Invitae), Labcorp); PubMed 12384772 (cited by Labcorp Genetics (formerly Invitae), Labcorp); PubMed 17142620 (cited by Labcorp Genetics (formerly Invitae), Labcorp); PubMed 25460580 (cited by Labcorp Genetics (formerly Invitae), Labcorp and Mayo Clinic Laboratories, Mayo Clinic); PubMed 31589614 (cited by Mayo Clinic Laboratories, Mayo Clinic); PubMed 33726816 (cited by Mayo Clinic Laboratories, Mayo Clinic); PubMed 34794975 (cited by Mayo Clinic Laboratories, Mayo Clinic); PubMed 35197125 (cited by Mayo Clinic Laboratories, Mayo Clinic).

NM_000285.4(PEPD):c.977G>A (p.Trp326Ter)

Gene: PEPD (peptidase D; minus strand). Cytogenetic location: 19q13.11.
Variant type: single nucleotide variant.
Coding change: c.977G>A on transcript NM_000285.4 (MANE Select); coding-DNA position 977, G replaced by A.
Protein change: p.Trp326Ter; replaces tryptophan 326 with a stop codon.
Molecular consequence: nonsense.
Genome position (GRCh38, 1-based): chr19:33,391,470, C>T on the plus strand (G>A on the coding strand, the complement: PEPD is on the minus strand). VCF-style: chr19-33391470-C-T. GRCh37 (hg19) VCF-style: chr19-33882376-C-T.
Other names: p.Trp326*; c.854G>A, p.Trp285Ter (NM_001166056.2); c.785G>A, p.Trp262Ter (NM_001166057.2); short protein forms W326*, W262*, W285*.
Identifiers: ClinVar variation 620168 (VCV000620168.13), dbSNP rs529315200, ClinGen allele CA9364034.